The following is an entry in ClinVar:

ClinVar aggregate classification (germline): Pathogenic (1 of 4 stars; one submission).

Conditions:
Hereditary cancer-predisposing syndrome. Also called: Neoplastic Syndromes, Hereditary; Hereditary neoplastic syndrome; Tumor predisposition; Hereditary Cancer Syndrome. Identifiers: Orphanet 140162, MedGen C0027672, MeSH D009386, MONDO:0015356.

Submission:

Color Diagnostics, LLC DBA Color Health
Classification: Pathogenic for Hereditary cancer-predisposing syndrome. Last evaluated: 2024-06-14. Review status: criteria provided, single submitter. Criteria: ACMG Guidelines, 2015. Collection method: clinical testing. Allele origin: germline.
Comment: This variant deletes 1 nucleotide in exon 11 of the BRCA2 gene, creating a frameshift and premature translation stop signal. This variant is expected to result in an absent or non-functional protein product. This variant has been reported in an individual affected with breast cancer and an individual with personal and/or family history of breast and ovarian cancer (PMID: 3182514, 32410793). This variant has not been identified in the general population by the Genome Aggregation Database (gnomAD). Loss of BRCA2 function is a known mechanism of disease. Based on the available evidence, this variant is classified as Pathogenic.

Literature cited by the submitters: PubMed 3182514; PubMed 32410793.

NM_000059.4(BRCA2):c.4240del (p.Thr1414fs)

Gene: BRCA2 (BRCA2 DNA repair associated; plus strand). Cytogenetic location: 13q13.1.
Variant type: Deletion.
Coding change: c.4240del on transcript NM_000059.4 (MANE Select); coding-DNA position 4240, one base deleted (A; older notation c.4240delA).
Protein change: p.Thr1414fs; shifts the reading frame from threonine 1414.
Molecular consequence: frameshift variant.
Genome position (GRCh38, 1-based): chr13:32,338,595, A deleted; the last of 4 consecutive A bases (chr13:32,338,592-32,338,595); deleting any one gives the same sequence. VCF-style (leftmost placement, unchanged base first): chr13-32338591-TA-T. GRCh37 (hg19) VCF-style: chr13-32912728-TA-T.
Other names: short protein forms T1414fs.
Identifiers: ClinVar variation 4759023 (VCV004759023.1).